The following is an entry in ClinVar:

ClinVar aggregate classification (germline): Uncertain significance. Review status: criteria provided, multiple submitters, no conflicts (2 of 4 stars). 2 submissions from 2 submitters: Uncertain significance (2). Last evaluated 2025-09-23.

Conditions:
Inborn genetic diseases. Identifiers: MedGen C0950123, MeSH D030342.

Allele frequency attached by ClinVar (database versions not stated): TOPMed 0.00001; ExAC 0.00002; gnomAD 0.00002; gnomAD exomes 0.00002.
gnomAD v4.1: 11 of 1,614,040 alleles (0.00068%); highest among the groups gnomAD compares: Non-Finnish European, 0.00093%; no homozygotes.

Submissions (2):

Labcorp Genetics (formerly Invitae), Labcorp
Classification: Uncertain significance. Last evaluated: 2025-09-23. Review status: criteria provided, single submitter. Criteria: Invitae Variant Classification Sherloc (09022015). Collection method: clinical testing. Allele origin: germline.
Comment: This sequence change replaces lysine, which is basic and polar, with threonine, which is neutral and polar, at codon 1093 of the DNAH9 protein (p.Lys1093Thr). This variant is present in population databases (rs757408744, gnomAD 0.003%). This variant has not been reported in the literature in individuals affected with DNAH9-related conditions. ClinVar contains an entry for this variant (Variation ID: 1462461). Invitae Evidence Modeling of protein sequence and biophysical properties (such as structural, functional, and spatial information, amino acid conservation, physicochemical variation, residue mobility, and thermodynamic stability) indicates that this missense variant is not expected to disrupt DNAH9 protein function with a negative predictive value of 80%. In summary, the available evidence is currently insufficient to determine the role of this variant in disease. Therefore, it has been classified as a Variant of Uncertain Significance.

Ambry Genetics
Classification: Uncertain significance for Inborn genetic diseases. Last evaluated: 2024-12-09. Review status: criteria provided, single submitter. Criteria: Ambry Variant Classification Scheme 2023. Collection method: clinical testing. Allele origin: germline.

NM_001372.4(DNAH9):c.3278A>C (p.Lys1093Thr)

Genes: DNAH9 (dynein axonemal heavy chain 9; plus strand), LOC126862505 (BRD4-independent group 4 enhancer GRCh37_chr17:11572478-11573677; plus strand). Cytogenetic location: 17p12.
Variant type: single nucleotide variant.
Coding change: c.3278A>C on transcript NM_001372.4 (MANE Select); coding-DNA position 3278, A replaced by C.
Protein change: p.Lys1093Thr; replaces lysine 1093 with threonine.
Molecular consequence: missense variant.
Genome position (GRCh38, 1-based): chr17:11,669,719, A>C. VCF-style: chr17-11669719-A-C. GRCh37 (hg19) VCF-style: chr17-11573036-A-C.
Other names: c.3278A>C (NM_001372.3); short protein forms K1093T.
Identifiers: ClinVar variation 1462461 (VCV001462461.7), dbSNP rs757408744, ClinGen allele CA8395397.